The following is an entry in ClinVar:

ClinVar aggregate classification (germline): Uncertain significance (1 of 4 stars; one submission).

Conditions:
Mitochondrial complex II deficiency, nuclear type 1. Also called: SUCCINATE CoQ REDUCTASE DEFICIENCY. Identifiers: Orphanet 3208, MedGen C5700310, MONDO:0100294, OMIM 252011.
Pheochromocytoma/paraganglioma syndrome 5. Also called: Paragangliomas 5; SDHA-Related Hereditary Paraganglioma-Pheochromocytoma Syndrome. Identifiers: Orphanet 29072, MedGen C3279992, MONDO:0013602, OMIM 614165.

Submission:

Labcorp Genetics (formerly Invitae), Labcorp
Classification: Uncertain significance for Pheochromocytoma/paraganglioma syndrome 5; Mitochondrial complex II deficiency, nuclear type 1. Last evaluated: 2023-09-03. Review status: criteria provided, single submitter. Criteria: Invitae Variant Classification Sherloc (09022015). Collection method: clinical testing. Allele origin: germline.
Comment: In summary, the available evidence is currently insufficient to determine the role of this variant in disease. Therefore, it has been classified as a Variant of Uncertain Significance. Advanced modeling of protein sequence and biophysical properties (such as structural, functional, and spatial information, amino acid conservation, physicochemical variation, residue mobility, and thermodynamic stability) performed at Invitae indicates that this missense variant is not expected to disrupt SDHA protein function. This variant has not been reported in the literature in individuals affected with SDHA-related conditions. This variant is not present in population databases (gnomAD no frequency). This sequence change replaces glycine, which is neutral and non-polar, with arginine, which is basic and polar, at codon 310 of the SDHA protein (p.Gly310Arg).

NM_004168.4(SDHA):c.928G>C (p.Gly310Arg)

Gene: SDHA (succinate dehydrogenase complex flavoprotein subunit A; plus strand). Cytogenetic location: 5p15.33.
Variant type: single nucleotide variant.
Coding change: c.928G>C on transcript NM_004168.4 (MANE Select); coding-DNA position 928, G replaced by C.
Protein change: p.Gly310Arg; replaces glycine 310 with arginine.
Molecular consequence: missense variant.
Genome position (GRCh38, 1-based): chr5:233,509, G>C. VCF-style: chr5-233509-G-C. GRCh37 (hg19) VCF-style: chr5-233624-G-C.
Other names: c.784G>C, p.Gly262Arg (NM_001294332.2); c.928G>C, p.Gly310Arg (NM_001330758.2); short protein forms G310R, G262R.
Identifiers: ClinVar variation 2937067 (VCV002937067.3), dbSNP rs2477348604, ClinGen allele CA359012585.